The following is an entry in ClinVar:

ClinVar aggregate classification (germline): Uncertain significance (1 of 4 stars; one submission).

Conditions:
Hereditary cancer-predisposing syndrome. Also called: Tumor predisposition; Hereditary neoplastic syndrome; Hereditary Cancer Syndrome; Neoplastic Syndromes, Hereditary. Identifiers: Orphanet 140162, MedGen C0027672, MeSH D009386, MONDO:0015356.

Submission:

Color Diagnostics, LLC DBA Color Health
Classification: Uncertain significance for Hereditary cancer-predisposing syndrome. Last evaluated: 2025-07-21. Review status: criteria provided, single submitter. Criteria: ACMG Guidelines, 2015. Collection method: clinical testing. Allele origin: germline.
Comment: This missense variant replaces glycine with arginine at codon 2508 of the ATM protein. Computational prediction suggests that this variant may not impact protein structure and function. To our knowledge, functional studies have not been reported for this variant. This variant has not been reported in individuals affected with ATM-related disorders in the literature. This variant has not been identified in the general population by the Genome Aggregation Database (gnomAD). The available evidence is insufficient to determine the role of this variant in disease conclusively. Therefore, this variant is classified as a Variant of Uncertain Significance.

NM_000051.4(ATM):c.7522G>C (p.Gly2508Arg)

Genes: ATM (ATM serine/threonine kinase; plus strand), C11orf65 (chromosome 11 open reading frame 65; minus strand). Cytogenetic location: 11q22.3.
Variant type: single nucleotide variant.
Coding change: c.7522G>C on transcript NM_000051.4 (MANE Select); coding-DNA position 7522, G replaced by C.
Protein change: p.Gly2508Arg; replaces glycine 2508 with arginine.
Molecular consequence: missense variant. On other transcripts: non-coding transcript variant (1), intron variant (2).
Genome position (GRCh38, 1-based): chr11:108,331,450, G>C. VCF-style: chr11-108331450-G-C. GRCh37 (hg19) VCF-style: chr11-108202177-G-C.
Other names: c.7522G>C, p.Gly2508Arg (NM_001351834.2); c.641-22379C>G (NM_001330368.2); c.*38+3770C>G (NM_001351110.2); short protein forms G2508R.
Identifiers: ClinVar variation 4759098 (VCV004759098.1).